The following is an entry in ClinVar:

NC_000007.13:g.(?_128498042)_(128498597_?)dup

Genes: FLNC-AS1 (FLNC antisense RNA 1; minus strand), FLNC (filamin C; plus strand). Cytogenetic location: 7q32.1.
Variant type: Duplication.
Identifiers: ClinVar variation 539525 (VCV000539525.2).

ClinVar aggregate classification (germline): Uncertain significance (1 of 4 stars; one submission).

Conditions:
Dilated Cardiomyopathy, Dominant.
Distal myopathy with posterior leg and anterior hand involvement. Also called: WILLIAMS DISTAL MYOPATHY. Identifiers: Orphanet 63273, MedGen C3279722, MONDO:0013550, OMIM 614065.
Myofibrillar myopathy 5. Also called: Filaminopathy (type); FILAMINOPATHY, AUTOSOMAL DOMINANT. Identifiers: Orphanet 171445, MedGen C1836050, MONDO:0012289, OMIM 609524.
Hypertrophic cardiomyopathy 26. Also called: Cardiomyopathy, familial hypertrophic, 26. Identifiers: Orphanet 75249, MedGen C4310749, MONDO:0014883, OMIM 617047.

Submission:

Labcorp Genetics (formerly Invitae), Labcorp
Classification: Uncertain significance for Myopathy, distal, 4; Dilated Cardiomyopathy, Dominant; Myofibrillar myopathy, filamin C-related; Cardiomyopathy, familial hypertrophic, 26. Last evaluated: 2019-09-19. Review status: criteria provided, single submitter. Criteria: Invitae Variant Classification Sherloc (09022015). Collection method: clinical testing. Allele origin: germline.
Comment: This variant results in a copy number gain of the genomic region encompassing exons 47-48 of the FLNC gene. The 5' boundary is likely confined to intron 46. The 3' end of this event is unknown as it extends beyond the assayed region for this gene and therefore may encompass additional genes. As the precise location of this event is unknown, it may be in tandem or it may be located elsewhere in the genome. This variant has not been reported in the literature in individuals with FLNC-related disease. In summary, the available evidence is currently insufficient to determine the role of this variant in disease. Therefore, it has been classified as a Variant of Uncertain Significance.